The following is an entry in ClinVar:

NM_006231.4(POLE):c.4444+5G>A

Gene: POLE (DNA polymerase epsilon, catalytic subunit; minus strand). Cytogenetic location: 12q24.33.
Variant type: single nucleotide variant.
Coding change: c.4444+5G>A on transcript NM_006231.4 (MANE Select); 5 bases into the intron after coding-DNA position 4444, G replaced by A.
Molecular consequence: intron variant.
Genome position (GRCh38, 1-based): chr12:132,643,402, C>T on the plus strand (G>A on the coding strand, the complement: POLE is on the minus strand). VCF-style: chr12-132643402-C-T. GRCh37 (hg19) VCF-style: chr12-133219988-C-T.
Identifiers: ClinVar variation 4728939 (VCV004728939.1).

ClinVar aggregate classification (germline): Uncertain significance (1 of 4 stars; one submission).

Submission:

Labcorp Genetics (formerly Invitae), Labcorp
Classification: Uncertain significance. Last evaluated: 2025-10-11. Review status: criteria provided, single submitter. Criteria: Invitae Variant Classification Sherloc (09022015). Collection method: clinical testing. Allele origin: germline.
Comment: This sequence change falls in intron 34 of the POLE gene. It does not directly change the encoded amino acid sequence of the POLE protein. It affects a nucleotide within the consensus splice site. This variant is not present in population databases (gnomAD no frequency). This variant has not been reported in the literature in individuals affected with POLE-related conditions. Variants that disrupt the consensus splice site are a relatively common cause of aberrant splicing (PMID: 17576681, 9536098). Algorithms developed to predict the effect of sequence changes on RNA splicing suggest that this variant is not likely to affect RNA splicing. In summary, the available evidence is currently insufficient to determine the role of this variant in disease. Therefore, it has been classified as a Variant of Uncertain Significance.

Literature cited by the submitters: PubMed 17576681; PubMed 9536098.